The following is an entry in ClinVar:

ClinVar aggregate classification (germline): Uncertain significance. Review status: criteria provided, multiple submitters, no conflicts (2 of 4 stars). 2 submissions from 2 submitters: Uncertain significance (2). Last evaluated 2025-07-28.

Conditions:
Fanconi anemia (FA). Also called: Fanconi's anemia. Identifiers: Orphanet 84, MedGen C0015625, MeSH D005199, MONDO:0019391.
Inborn genetic diseases. Identifiers: MedGen C0950123, MeSH D030342.

Allele frequency attached by ClinVar (database versions not stated): gnomAD exomes below 0.00001 and 0.00001; ExAC 0.00001.
gnomAD v4.1: 8 of 1,614,082 alleles (0.0005%); highest among the groups gnomAD compares: Non-Finnish European, 0.00068%; no homozygotes.

Submissions (2):

Labcorp Genetics (formerly Invitae), Labcorp
Classification: Uncertain significance for Fanconi anemia. Last evaluated: 2025-07-28. Review status: criteria provided, single submitter. Criteria: Invitae Variant Classification Sherloc (09022015). Collection method: clinical testing. Allele origin: germline.
Comment: This sequence change replaces leucine, which is neutral and non-polar, with phenylalanine, which is neutral and non-polar, at codon 162 of the FANCG protein (p.Leu162Phe). This variant is present in population databases (rs779677132, gnomAD 0.0009%). This variant has not been reported in the literature in individuals affected with FANCG-related conditions. ClinVar contains an entry for this variant (Variation ID: 1416142). Invitae Evidence Modeling of protein sequence and biophysical properties (such as structural, functional, and spatial information, amino acid conservation, physicochemical variation, residue mobility, and thermodynamic stability) has been performed for this missense variant. However, the output from this modeling did not meet the statistical confidence thresholds required to predict the impact of this variant on FANCG protein function. In summary, the available evidence is currently insufficient to determine the role of this variant in disease. Therefore, it has been classified as a Variant of Uncertain Significance.

Ambry Genetics
Classification: Uncertain significance for Inborn genetic diseases. Last evaluated: 2025-03-20. Review status: criteria provided, single submitter. Criteria: Ambry Variant Classification Scheme 2023. Collection method: clinical testing. Allele origin: germline.
Comment: The p.L162F variant (also known as c.486A>T), located in coding exon 4 of the FANCG gene, results from an A to T substitution at nucleotide position 486. The leucine at codon 162 is replaced by phenylalanine, an amino acid with highly similar properties. This amino acid position is conserved. In addition, the in silico prediction for this alteration is inconclusive. Based on the available evidence, the clinical significance of this variant remains unclear.

NM_004629.2(FANCG):c.486A>T (p.Leu162Phe)

Gene: FANCG (FA complementation group G; minus strand). Cytogenetic location: 9p13.3.
Variant type: single nucleotide variant.
Coding change: c.486A>T on transcript NM_004629.2 (MANE Select); coding-DNA position 486, A replaced by T.
Protein change: p.Leu162Phe; replaces leucine 162 with phenylalanine.
Molecular consequence: missense variant.
Genome position (GRCh38, 1-based): chr9:35,078,165, T>A on the plus strand (A>T on the coding strand, the complement: FANCG is on the minus strand). VCF-style: chr9-35078165-T-A. GRCh37 (hg19) VCF-style: chr9-35078162-T-A.
Other names: c.486A>T (NM_004629.1); short protein forms L162F.
Identifiers: ClinVar variation 1416142 (VCV001416142.8), dbSNP rs779677132, ClinGen allele CA5040035.